The following is an entry in ClinVar:

NM_000051.4(ATM):c.1343A>G (p.His448Arg)

Gene: ATM (ATM serine/threonine kinase; plus strand). Cytogenetic location: 11q22.3.
Variant type: single nucleotide variant.
Coding change: c.1343A>G on transcript NM_000051.4 (MANE Select); coding-DNA position 1343, A replaced by G.
Protein change: p.His448Arg; replaces histidine 448 with arginine.
Molecular consequence: missense variant.
Genome position (GRCh38, 1-based): chr11:108,250,808, A>G. VCF-style: chr11-108250808-A-G. GRCh37 (hg19) VCF-style: chr11-108121535-A-G.
Other names: c.1343A>G, p.His448Arg (NM_001351834.2); short protein forms H448R.
Identifiers: ClinVar variation 482610 (VCV000482610.14), dbSNP rs1555070781, ClinGen allele CA382533748.
Genomic context (GRCh38, chr11:108,250,808, plus strand): 5'-CTAACTGTGAGCTGTCTCCATTACTGATGATACTATCTCAGCTTCTACCCCAACAGCGAC[A>G]TGGGGAACGTACACCATATGTGTTACGATGCCTTACGGAAGTTGCATTGTGTCAAGACAA-3'
Protein context (NP_000042.3, residues 438-458): ILSQLLPQQR[His448Arg]GERTPYVLRC

ClinVar aggregate classification (germline): Conflicting classifications of pathogenicity. Review status: criteria provided, conflicting classifications (1 of 4 stars). 2 submissions from 2 submitters: Uncertain significance (1); Likely benign (1). Last evaluated 2025-02-18.

Conditions:
Hereditary cancer-predisposing syndrome. Also called: Hereditary neoplastic syndrome; Neoplastic Syndromes, Hereditary; Tumor predisposition; Hereditary Cancer Syndrome. Identifiers: Orphanet 140162, MedGen C0027672, MeSH D009386, MONDO:0015356.
Ataxia-telangiectasia syndrome (AT). Also called: LOUIS-BAR SYNDROME; Cerebello-oculocutaneous telangiectasia; Immunodeficiency with ataxia telangiectasia; AT, COMPLEMENTATION GROUP C; Ataxia-telangiectasia, complementation group D; ATAXIA-TELANGIECTASIA, COMPLEMENTATION GROUP A. Identifiers: Orphanet 100, MedGen C0004135, MONDO:0008840, OMIM 208900.

Allele frequency attached by ClinVar (database versions not stated): TOPMed below 0.00001; gnomAD 0.00001.
gnomAD v4.1: 1 of 1,613,966 alleles (0.000062%); highest among the groups gnomAD compares: Non-Finnish European, 0.000085%; no homozygotes.

Submissions (2):

Labcorp Genetics (formerly Invitae), Labcorp
Classification: Uncertain significance for Ataxia-telangiectasia syndrome. Last evaluated: 2025-02-18. Review status: criteria provided, single submitter. Criteria: Invitae Variant Classification Sherloc (09022015). Collection method: clinical testing. Allele origin: germline.
Comment: This sequence change replaces histidine, which is basic and polar, with arginine, which is basic and polar, at codon 448 of the ATM protein (p.His448Arg). This variant is not present in population databases (gnomAD no frequency). This variant has not been reported in the literature in individuals affected with ATM-related conditions. ClinVar contains an entry for this variant (Variation ID: 482610). Invitae Evidence Modeling of protein sequence and biophysical properties (such as structural, functional, and spatial information, amino acid conservation, physicochemical variation, residue mobility, and thermodynamic stability) indicates that this missense variant is not expected to disrupt ATM protein function with a negative predictive value of 95%. In summary, the available evidence is currently insufficient to determine the role of this variant in disease. Therefore, it has been classified as a Variant of Uncertain Significance.

Ambry Genetics
Classification: Likely benign for Hereditary cancer-predisposing syndrome. Last evaluated: 2016-06-14. Review status: criteria provided, single submitter. Criteria: Ambry Variant Classification Scheme 2023. Collection method: clinical testing. Allele origin: germline.